The following is an entry in ClinVar:

ClinVar aggregate classification (germline): Pathogenic (1 of 4 stars; one submission).

Conditions:
Neurofibromatosis, type 2 (SWNV). Also called: BILATERAL ACOUSTIC NEUROFIBROMATOSIS; NF2-Related Schwannomatosis; SCHWANNOMATOSIS, VESTIBULAR. Identifiers: Orphanet 637, MedGen C0027832, MONDO:0007039, OMIM 101000. Disease mechanism: loss of function.

Submission:

Labcorp Genetics (formerly Invitae), Labcorp
Classification: Pathogenic for Neurofibromatosis, type 2. Last evaluated: 2018-07-04. Review status: criteria provided, single submitter. Criteria: Invitae Variant Classification Sherloc (09022015). Collection method: clinical testing. Allele origin: germline.
Comment: For these reasons, this variant has been classified as Pathogenic. Loss-of-function variants in NF2 are known to be pathogenic (PMID: 9643284, 16983642). Algorithms developed to predict the effect of sequence changes on RNA splicing suggest that this variant may create or strengthen a splice site, but this prediction has not been confirmed by published transcriptional studies. This variant has not been reported in the literature in individuals with NF2-related disease. This variant is not present in population databases (ExAC no frequency). This sequence change creates a premature translational stop signal (p.Val24Argfs*25) in the NF2 gene. It is expected to result in an absent or disrupted protein product.

Literature cited by the submitters: PubMed 9643284; PubMed 16983642.

NM_000268.4(NF2):c.69dup (p.Val24fs)

Gene: NF2 (NF2, moesin-ezrin-radixin like (MERLIN) tumor suppressor; plus strand). Cytogenetic location: 22q12.2.
Variant type: Duplication.
Coding change: c.69dup on transcript NM_000268.4 (MANE Select); coding-DNA position 69, one base duplicated (C; older notation c.69dupC).
Protein change: p.Val24fs; shifts the reading frame from valine 24.
Molecular consequence: frameshift variant. On other transcripts: non-coding transcript variant (1).
Genome position (GRCh38, 1-based): chr22:29,604,067, C duplicated; the last of 2 consecutive C bases (chr22:29,604,066-29,604,067); duplicating either gives the same sequence. VCF-style (leftmost placement, unchanged base first): chr22-29604065-A-AC. GRCh37 (hg19) VCF-style: chr22-30000054-A-AC.
Other names: c.69dupC (NM_000268.3); c.69dup, p.Val24fs (NM_016418.5, NM_181825.3, NM_181828.3 and 5 more transcripts); short protein forms V24fs.
Identifiers: ClinVar variation 644553 (VCV000644553.7), dbSNP rs1601515970, ClinGen allele CA915952831.
Genomic context (GRCh38, chr22:29,604,065, plus strand): 5'-GGGGCCATCGCTTCCCGCATGAGCTTCAGCTCTCTCAAGAGGAAGCAACCCAAGACGTTC[A>AC]CCGTGAGGATCGTCACCATGGACGCCGAGATGGAGTTCAATTGCGAGGTAACCGGCCGGC-3'